The following is an entry in ClinVar:

ClinVar aggregate classification (germline): Uncertain significance (1 of 4 stars; one submission).

Conditions:
Amyotrophic lateral sclerosis type 21. Also called: VOCAL CORD AND PHARYNGEAL DYSFUNCTION WITH DISTAL MYOPATHY; MYOPATHY, DISTAL, 2. Identifiers: Orphanet 600, Orphanet 803, MedGen C3807521, MONDO:0011632, OMIM 606070.

Allele frequency attached by ClinVar (database versions not stated): gnomAD exomes below 0.00001; ExAC 0.00001; gnomAD 0.00001; TOPMed 0.00001; ESP Exome Variant Server 0.00008.
gnomAD v4.1: 14 of 1,613,992 alleles (0.00087%); highest among the groups gnomAD compares: Non-Finnish European, 0.0011%; no homozygotes.

Submission:

Labcorp Genetics (formerly Invitae), Labcorp
Classification: Uncertain significance for Amyotrophic lateral sclerosis type 21. Last evaluated: 2022-12-03. Review status: criteria provided, single submitter. Criteria: Invitae Variant Classification Sherloc (09022015). Collection method: clinical testing. Allele origin: germline.
Comment: In summary, the available evidence is currently insufficient to determine the role of this variant in disease. Therefore, it has been classified as a Variant of Uncertain Significance. Advanced modeling of protein sequence and biophysical properties (such as structural, functional, and spatial information, amino acid conservation, physicochemical variation, residue mobility, and thermodynamic stability) performed at Invitae indicates that this missense variant is not expected to disrupt MATR3 protein function. ClinVar contains an entry for this variant (Variation ID: 1388695). This variant has not been reported in the literature in individuals affected with MATR3-related conditions. This variant is present in population databases (rs370051410, gnomAD 0.0009%). This sequence change replaces proline, which is neutral and non-polar, with serine, which is neutral and polar, at codon 776 of the MATR3 protein (p.Pro776Ser).

NM_018834.6(MATR3):c.2326C>T (p.Pro776Ser)

Gene: MATR3 (matrin 3; plus strand). Cytogenetic location: 5q31.2.
Variant type: single nucleotide variant.
Coding change: c.2326C>T on transcript NM_018834.6 (MANE Select); coding-DNA position 2326, C replaced by T.
Protein change: p.Pro776Ser; replaces proline 776 with serine.
Molecular consequence: missense variant.
Genome position (GRCh38, 1-based): chr5:139,325,617, C>T. VCF-style: chr5-139325617-C-T. GRCh37 (hg19) VCF-style: chr5-138661306-C-T.
Other names: c.2326C>T, p.Pro776Ser (NM_001194954.2, NM_001194955.2, NM_199189.3); c.1462C>T, p.Pro488Ser (NM_001194956.2); c.1312C>T, p.Pro438Ser (NM_001282278.2); short protein forms P438S, P776S, P488S.
Identifiers: ClinVar variation 1388695 (VCV001388695.6), dbSNP rs370051410, ClinGen allele CA3433423.